The following is an entry in ClinVar:

ClinVar aggregate classification (germline): Uncertain significance (1 of 4 stars; one submission).

Conditions:
AP1G1-related disorder. Also called: AP1G1-related condition.

Allele frequency attached by ClinVar (database versions not stated): TOPMed below 0.00001.

Submission:

PreventionGenetics, part of Exact Sciences
Classification: Uncertain significance for AP1G1-related condition. Last evaluated: 2023-02-15. Review status: criteria provided, single submitter. Criteria: ACMG Guidelines, 2015. Collection method: clinical testing. Allele origin: germline.
Comment: The AP1G1 c.1562C>G variant is predicted to result in the amino acid substitution p.Ser521Cys. To our knowledge, this variant has not been reported in the literature or in a large population database, indicating this variant is rare. At this time, the clinical significance of this variant is uncertain due to the absence of conclusive functional and genetic evidence.

NM_001128.6(AP1G1):c.1553C>G (p.Ser518Cys)

Gene: AP1G1 (adaptor related protein complex 1 subunit gamma 1; minus strand). Cytogenetic location: 16q22.2.
Variant type: single nucleotide variant.
Coding change: c.1553C>G on transcript NM_001128.6 (MANE Select); coding-DNA position 1553, C replaced by G.
Protein change: p.Ser518Cys; replaces serine 518 with cysteine.
Molecular consequence: missense variant.
Genome position (GRCh38, 1-based): chr16:71,748,323, G>C on the plus strand (C>G on the coding strand, the complement: AP1G1 is on the minus strand). VCF-style: chr16-71748323-G-C. GRCh37 (hg19) VCF-style: chr16-71782226-G-C.
Other names: c.1562C>G, p.Ser521Cys (NM_001030007.2); short protein forms S518C, S521C.
Identifiers: ClinVar variation 2632215 (VCV002632215.1), dbSNP rs991939518, ClinGen allele CA283593132.